The following is an entry in ClinVar:

NM_000334.4(SCN4A):c.2879G>C (p.Gly960Ala)

Genes: GH-LCR (growth hormone locus control region; plus strand), SCN4A (sodium voltage-gated channel alpha subunit 4; minus strand). Cytogenetic location: 17q23.3.
Variant type: single nucleotide variant.
Coding change: c.2879G>C on transcript NM_000334.4 (MANE Select); coding-DNA position 2879, G replaced by C.
Protein change: p.Gly960Ala; replaces glycine 960 with alanine.
Molecular consequence: missense variant.
Genome position (GRCh38, 1-based): chr17:63,949,503, C>G on the plus strand (G>C on the coding strand, the complement: SCN4A is on the minus strand). VCF-style: chr17-63949503-C-G. GRCh37 (hg19) VCF-style: chr17-62026863-C-G.
Other names: short protein forms G960A.
Identifiers: ClinVar variation 3383762 (VCV003383762.1).

ClinVar aggregate classification (germline): Uncertain significance (1 of 4 stars; one submission).

Submission:

GeneDx
Classification: Uncertain significance. Last evaluated: 2024-05-31. Review status: criteria provided, single submitter. Criteria: GeneDx Variant Classification Process June 2021. Collection method: clinical testing. Allele origin: germline. Affected: yes.
Comment: Not observed at significant frequency in large population cohorts (gnomAD); In silico analysis indicates that this missense variant does not alter protein structure/function; Has not been previously published as pathogenic or benign to our knowledge